The following is an entry in ClinVar:

NM_000108.5(DLD):c.21_22dup (p.Tyr8fs)

Gene: DLD (dihydrolipoamide dehydrogenase; plus strand). Cytogenetic location: 7q31.1.
Variant type: Microsatellite.
Coding change: c.21_22dup on transcript NM_000108.5 (MANE Select); coding-DNA positions 21 to 22, 2 bases duplicated (GT; older notation c.21_22dupGT).
Protein change: p.Tyr8fs; shifts the reading frame from tyrosine 8.
Molecular consequence: frameshift variant. On other transcripts: 5 prime UTR variant (1).
Genome position (GRCh38, 1-based): chr7:107,891,271-107,891,272, GT duplicated; duplicating any 2 consecutive bases within chr7:107,891,267-107,891,272 gives the same sequence; the c. name uses the placement nearest the transcript's 3' end. VCF-style (leftmost placement, unchanged base first): chr7-107891266-C-CGT. GRCh37 (hg19) VCF-style: chr7-107531711-C-CGT.
Other names: c.-132GT[4] (NM_001289750.1); c.21_22dup, p.Tyr8fs (NM_001289751.1, NM_001289752.1); short protein forms Y8fs.
Identifiers: ClinVar variation 4817450 (VCV004817450.1).
Genomic context (GRCh38, chr7:107,891,266, plus strand): 5'-CAGCGGAGGTGAAAGTATTGGCGGAAAGGAAAATACAGCGGAAAAATGCAGAGCTGGAGT[C>CGT]GTGTGTACTGCTCCTTGGCCAAGGTGAGGGCCGAGTAGGTGAGGTCGTGTTGAGCCAGAG-3'

ClinVar aggregate classification (germline): Likely pathogenic (1 of 4 stars; one submission).

Conditions:
Pyruvate dehydrogenase E3 deficiency (DLDD). Also called: Lipoamide dehydrogenase deficiency, lactic acidosis due to; Dihydrolipoamide Dehydrogenase (E3) Deficiency; MAPLE SYRUP URINE DISEASE, TYPE III; Dihydrolipoamide Dehydrogenase Deficiency; DLD DEFICIENCY; E3 DEFICIENCY. Identifiers: Orphanet 2394, Orphanet 765, MedGen C5574660, MONDO:0009529, OMIM 246900.

Submission:

Natera, Inc.
Classification: Likely pathogenic for Maple syrup urine disease type 3. Last evaluated: 2024-03-22. Review status: criteria provided, single submitter. Criteria: Natera Variant Classification Schema (03/2026). Collection method: clinical testing. Allele origin: germline.
Comment: The c.21_22dupGT variant in DLD is a frameshift variant predicted to shift the reading frame beginning at codon 8 and leads to a stop codon 26 codons downstream. This variant is expected to result in nonsense mediated decay, truncation, or a dysfunctional protein product. This variant is rare in the general population with a frequency below the threshold expected for the associated phenotype(s). Given the available evidence, this variant is classified as Likely Pathogenic.